The following is an entry in ClinVar:

ClinVar aggregate classification (germline): Benign/Likely benign. Review status: criteria provided, multiple submitters, no conflicts (2 of 4 stars). 6 submissions from 6 submitters: Benign (1); Likely benign (4). 1 of the submissions does not count toward it. Last evaluated 2025-12-12.

Conditions:
TSC2-related disorder. Also called: TSC2-related condition; TSC2-Related Disorders.
Tuberous sclerosis syndrome (TSC). Also called: Tuberous Sclerosis Complex; Tuberous sclerosis. Identifiers: Orphanet 805, MedGen C0041341, MONDO:0001734.
Hereditary cancer-predisposing syndrome. Also called: Tumor predisposition; Neoplastic Syndromes, Hereditary; Hereditary Cancer Syndrome; Hereditary neoplastic syndrome. Identifiers: Orphanet 140162, MedGen C0027672, MeSH D009386, MONDO:0015356.
Tuberous sclerosis 2 (TSC2). Identifiers: Orphanet 805, MedGen C1860707, MONDO:0013199, OMIM 613254.

Allele frequency attached by ClinVar (database versions not stated): gnomAD exomes below 0.00001; gnomAD 0.00002; TOPMed 0.00002.
gnomAD v4.1: 9 of 1,612,836 alleles (0.00056%); highest among the groups gnomAD compares: African/African-American, 0.0093%; no homozygotes.

Submissions (6):

Labcorp Genetics (formerly Invitae), Labcorp
Classification: Likely benign for Tuberous sclerosis 2. Last evaluated: 2025-12-12. Review status: criteria provided, single submitter. Criteria: Invitae Variant Classification Sherloc (09022015). Collection method: clinical testing. Allele origin: germline.

Myriad Genetics, Inc.
Classification: Benign for Tuberous sclerosis 2. Last evaluated: 2025-05-28. Review status: criteria provided, single submitter. Criteria: Myriad Autosomal Dominant, Autosomal Recessive and X-Linked Classification Criteria (2023). Collection method: clinical testing. Allele origin: unknown.
Comment: This variant is considered benign. This variant is a silent/synonymous amino acid change and it is not expected to impact splicing.

Ambry Genetics
Classification: Likely benign for Hereditary cancer-predisposing syndrome. Last evaluated: 2022-10-04. Review status: criteria provided, single submitter. Criteria: Ambry Variant Classification Scheme 2023. Collection method: clinical testing. Allele origin: germline.

Color Diagnostics, LLC DBA Color Health
Classification: Likely benign for Tuberous sclerosis syndrome. Last evaluated: 2022-09-29. Review status: criteria provided, single submitter. Criteria: ACMG Guidelines, 2015. Collection method: clinical testing. Allele origin: germline.

Sema4
Classification: Likely benign for Hereditary cancer-predisposing syndrome. Last evaluated: 2022-02-07. Review status: criteria provided, single submitter. Criteria: Sema4 Curation Guidelines. Collection method: curation. Allele origin: germline.

PreventionGenetics, part of Exact Sciences
Classification: Likely benign for TSC2-related condition. Last evaluated: 2023-05-23. Review status: no assertion criteria provided. Collection method: clinical testing. Allele origin: germline. Not counted in ClinVar's aggregate classification.
Comment: This variant is classified as likely benign based on ACMG/AMP sequence variant interpretation guidelines (Richards et al. 2015 PMID: 25741868, with internal and published modifications).

NM_000548.5(TSC2):c.3204T>C (p.Thr1068=)

Gene: TSC2 (TSC complex subunit 2; plus strand). Cytogenetic location: 16p13.3.
Variant type: single nucleotide variant.
Coding change: c.3204T>C on transcript NM_000548.5 (MANE Select); coding-DNA position 3204, T replaced by C.
Protein change: p.Thr1068=; no amino-acid change (threonine 1068 retained).
Molecular consequence: synonymous variant.
Genome position (GRCh38, 1-based): chr16:2,079,348, T>C. VCF-style: chr16-2079348-T-C. GRCh37 (hg19) VCF-style: chr16-2129349-T-C.
Other names: c.3072T>C, p.Thr1024= (NM_001077183.3, NM_001370404.1); c.3204T>C, p.Thr1068= (NM_001114382.3); c.2964T>C, p.Thr988= (NM_001318827.2); c.2928T>C, p.Thr976= (NM_001318829.2); c.2472T>C, p.Thr824= (NM_001318831.2); c.3105T>C, p.Thr1035= (NM_001318832.2); c.3075T>C, p.Thr1025= (NM_001363528.2, NM_001370405.1, NM_021055.3); c.3204T>C (NM_000548.4).
Identifiers: ClinVar variation 413683 (VCV000413683.17), dbSNP rs1060504101, ClinGen allele CA16614758.
Genomic context (GRCh38, chr16:2,079,348, plus strand): 5'-CGAGTTCCTCCTAGCGGGTGGCAGGACCAAAACCTGGCTGGTTGGGAACAAGCTTGTCAC[T>C]GTGACGACAAGCGTGGGAACCGGGACCCGGTCGTTACTAGGCCTGGACTCGGGGGAGCTG-3'
Protein context (NP_000539.2, residues 1058-1078): KTWLVGNKLV[Thr1068=]VTTSVGTGTR